The following is an entry in ClinVar:

NM_000548.5(TSC2):c.4258_4261del (p.Ser1420fs)

Gene: TSC2 (TSC complex subunit 2; plus strand). Cytogenetic location: 16p13.3.
Variant type: Deletion.
Coding change: c.4258_4261del on transcript NM_000548.5 (MANE Select); coding-DNA positions 4258 to 4261, 4 bases deleted (TCAG; older notation c.4258_4261delTCAG).
Protein change: p.Ser1420fs; shifts the reading frame from serine 1420.
Molecular consequence: frameshift variant.
Genome position (GRCh38, 1-based): chr16:2,084,480-2,084,483, TCAG deleted; deleting any 4 consecutive bases within chr16:2,084,477-2,084,483 gives the same sequence; the c. name uses the placement nearest the transcript's 3' end. VCF-style (leftmost placement, unchanged base first): chr16-2084476-ACAGT-A. GRCh37 (hg19) VCF-style: chr16-2134477-ACAGT-A.
Other names: c.4057_4060del, p.Ser1353fs (NM_001077183.3); c.4189_4192del, p.Ser1397fs (NM_001114382.3); c.3949_3952del, p.Ser1317fs (NM_001318827.2); c.3913_3916del, p.Ser1305fs (NM_001318829.2); c.3526_3529del, p.Ser1176fs (NM_001318831.2); c.4090_4093del, p.Ser1364fs (NM_001318832.2); c.4060_4063del, p.Ser1354fs (NM_001363528.2); c.4126_4129del, p.Ser1376fs (NM_001370404.1); and 1 more; short protein forms S1354fs, S1176fs, S1353fs, S1397fs, S1376fs, S1377fs, S1420fs, S1305fs.
Identifiers: ClinVar variation 50083 (VCV000050083.14), dbSNP rs137854132, ClinGen allele CA020129.
Genomic context (GRCh38, chr16:2,084,476, plus strand): 5'-CGGGGACCCTGGGGACAAGGCCGACGTGGGCCGGCTGAGCCCTGAGGTTAAGGCCCGGTC[ACAGT>A]CAGGGACCCTGGACGGGGAAAGTGCTGCCTGGTCGGCCTCGGGCGAAGACAGTCGGGGCC-3'

ClinVar aggregate classification (germline): Pathogenic. Review status: criteria provided, multiple submitters, no conflicts (2 of 4 stars). 8 submissions from 7 submitters: Pathogenic (6). 2 of the submissions do not count toward it. Last evaluated 2025-09-18.

Conditions:
Tuberous sclerosis 2 (TSC2). Identifiers: Orphanet 805, MedGen C1860707, MONDO:0013199, OMIM 613254.
Tuberous sclerosis syndrome (TSC). Also called: Tuberous Sclerosis Complex; Tuberous sclerosis. Identifiers: Orphanet 805, MedGen C0041341, MONDO:0001734.

Submissions (8):

Cambridge Genomics Laboratory, East Genomic Laboratory Hub, NHS Genomic Medicine Service
Classification: Pathogenic for Tuberous sclerosis. Last evaluated: 2025-09-18. Review status: criteria provided, single submitter. Criteria: ACGS Best Practice Guidelines for Variant Classification in Rare Disease 2020. Collection method: clinical testing. Allele origin: germline. Affected: yes.
Comment: PVS1,PM2,PP4

Labcorp Genetics (formerly Invitae), Labcorp
Classification: Pathogenic for Tuberous sclerosis 2. Last evaluated: 2023-12-25. Review status: criteria provided, single submitter. Criteria: Invitae Variant Classification Sherloc (09022015). Collection method: clinical testing. Allele origin: germline.
Comment: This sequence change creates a premature translational stop signal (p.Ser1420Glyfs*55) in the TSC2 gene. It is expected to result in an absent or disrupted protein product. Loss-of-function variants in TSC2 are known to be pathogenic (PMID: 10205261, 17304050). This variant is not present in population databases (gnomAD no frequency). This premature translational stop signal has been observed in individual(s) with tuberous sclerosis complex (PMID: 10533067, 29740858, 31855466). ClinVar contains an entry for this variant (Variation ID: 50083). For these reasons, this variant has been classified as Pathogenic.

GeneDx
Classification: Pathogenic. Last evaluated: 2023-03-15. Review status: criteria provided, single submitter. Criteria: GeneDx Variant Classification Process June 2021. Collection method: clinical testing. Allele origin: germline. Affected: yes.
Comment: Frameshift variant predicted to result in protein truncation or nonsense mediated decay in a gene for which loss of function is a known mechanism of disease; Not observed at significant frequency in large population cohorts (gnomAD); Identified in patients with a clinical diagnosis of tuberous sclerosis complex in a well-curated database (TSC2 LOVD); This variant is associated with the following publications: (PMID: 16114042, 10533067, 26252095, 29740858, 31855466)

3billion
Classification: Pathogenic for Tuberous sclerosis 2. Last evaluated: 2023-02-23. Review status: criteria provided, single submitter. Criteria: ACMG Guidelines, 2015. Collection method: clinical testing. Allele origin: unknown. Affected: yes.
Comment: The variant is not observed in the gnomAD v2.1.1 dataset. This variant was predicted to result in a loss or disruption of normal protein function through nonsense-mediated decay (NMD) or protein truncation. Multiple pathogenic variants are reported downstream of the variant. The variant has been reported at least twice as pathogenic with clinical assertions and evidence for the classification (PMID: 10533067). Therefore, this variant is classified as Pathogenic according to the recommendation of ACMG/AMP guideline.

Genome-Nilou Lab
Classification: Pathogenic for Tuberous sclerosis 2. Last evaluated: 2021-11-07. Review status: criteria provided, single submitter. Criteria: ACMG Guidelines, 2015. Collection method: clinical testing. Allele origin: germline. Affected: no.

Mendelics
Classification: Pathogenic for Tuberous sclerosis 2. Last evaluated: 2019-05-28. Review status: criteria provided, single submitter. Criteria: Mendelics Assertion Criteria 2017. Collection method: clinical testing. Allele origin: unknown.

Tuberous sclerosis database (TSC2)
No classification provided. Condition: TSC. Review status: no classification provided. Criteria: Tuberous Sclerosis Database Assertion Criteria 2015. Collection method: curation. Allele origin: germline. Affected: yes. Not counted in ClinVar's aggregate classification.

Tuberous sclerosis database (TSC2)
No classification provided. Condition: TSC. Review status: flagged submission. Criteria: Tuberous Sclerosis Database Assertion Criteria 2015. Collection method: curation. Allele origin: germline. Affected: yes. Not counted in ClinVar's aggregate classification.
ClinVar note: Reason: This record appears to be redundant with a more recent record from the same submitter.
ClinVar note: Notes: SCV000067154 appears to be redundant with SCV000067155.

Literature cited by the submitters: PubMed 10205261 (cited by Labcorp Genetics (formerly Invitae), Labcorp); PubMed 17304050 (cited by Labcorp Genetics (formerly Invitae), Labcorp); PubMed 10533067 (cited by Labcorp Genetics (formerly Invitae), Labcorp and 3billion); PubMed 29740858 (cited by Labcorp Genetics (formerly Invitae), Labcorp); PubMed 31855466 (cited by Labcorp Genetics (formerly Invitae), Labcorp).